The following is an entry in ClinVar:

ClinVar aggregate classification (germline): Likely benign. Review status: criteria provided, multiple submitters, no conflicts (2 of 4 stars). 8 submissions from 8 submitters: Likely benign (5). 3 of the submissions do not count toward it. Last evaluated 2026-02-01.

Conditions:
NHEJ1-related disorder. Also called: NHEJ1-related condition.
Cernunnos-XLF deficiency (IMD124). Also called: NHEJ1 SYNDROME; SCID, AUTOSOMAL RECESSIVE, T CELL-NEGATIVE, B CELL-NEGATIVE, NK CELL-POSITIVE, WITH MICROCEPHALY, GROWTH RETARDATION, AND SENSITIVITY TO IONIZING RADIATION; Severe combined immunodeficiency with sensitivity to ionizing radiation due to NHEJ1 deficiency; SCID, autosomal recessive, T cell-negative, B cell-negative, NK cell-positive, and sensitivity to ionizing radiation due to NHEJ1 deficiency; IMMUNODEFICIENCY 124, SEVERE COMBINED. Identifiers: Orphanet 169079, MedGen C1969799, MONDO:0012650, OMIM 611291.

Allele frequency attached by ClinVar (database versions not stated): gnomAD 0.00047 and 0.00049; TOPMed 0.00049; gnomAD exomes 0.00053 and 0.00057; ExAC 0.00060; ESP Exome Variant Server 0.00069.

Submissions (8):

Labcorp Genetics (formerly Invitae), Labcorp
Classification: Likely benign for Cernunnos-XLF deficiency. Last evaluated: 2026-02-01. Review status: criteria provided, single submitter. Criteria: Invitae Variant Classification Sherloc (09022015). Collection method: clinical testing. Allele origin: germline.

CeGaT Center for Human Genetics Tuebingen
Classification: Likely benign. Last evaluated: 2025-06-01. Review status: criteria provided, single submitter. Criteria: CeGaT Center For Human Genetics Tuebingen Variant Classification Criteria Version 2. Collection method: clinical testing. Allele origin: germline. Affected: yes. Observed: 1 variant allele.
Comment: NHEJ1: BP4, BP7

Blueprint Genetics
Classification: Likely benign. Last evaluated: 2024-11-20. Review status: criteria provided, single submitter. Criteria: ACMG Guidelines, 2015. Collection method: clinical testing. Allele origin: germline.

Genetic Services Laboratory, University of Chicago
Classification: Likely benign. Last evaluated: 2015-10-15. Review status: criteria provided, single submitter. Criteria: ACMG Guidelines, 2015. Collection method: clinical testing. Allele origin: germline. Affected: no.

Breakthrough Genomics
Classification: Likely benign. Review status: criteria provided, single submitter. Criteria: ACMG Guidelines, 2015. Collection method: not provided. Allele origin: germline. Inheritance: Unknown mechanism. Affected: yes.

PreventionGenetics, part of Exact Sciences
Classification: Likely benign for NHEJ1-related condition. Last evaluated: 2019-09-05. Review status: no assertion criteria provided. Collection method: clinical testing. Allele origin: germline. Not counted in ClinVar's aggregate classification.
Comment: This variant is classified as likely benign based on ACMG/AMP sequence variant interpretation guidelines (Richards et al. 2015 PMID: 25741868, with internal and published modifications).

Clinical Genetics DNA and cytogenetics Diagnostics Lab, Erasmus MC, Erasmus Medical Center
Classification: Likely benign. Review status: no assertion criteria provided. Collection method: clinical testing. Allele origin: germline. Affected: yes. Study: VKGL Data-share Consensus. Not counted in ClinVar's aggregate classification.

Genome Diagnostics Laboratory, University Medical Center Utrecht
Classification: Likely benign. Review status: no assertion criteria provided. Collection method: clinical testing. Allele origin: germline. Affected: yes. Study: VKGL Data-share Consensus. Not counted in ClinVar's aggregate classification.

NM_024782.3(NHEJ1):c.57A>G (p.Ala19=)

Gene: NHEJ1 (non-homologous end joining factor 1; minus strand). Cytogenetic location: 2q35.
Variant type: single nucleotide variant.
Coding change: c.57A>G on transcript NM_024782.3 (MANE Select); coding-DNA position 57, A replaced by G.
Protein change: p.Ala19=; no amino-acid change (alanine 19 retained).
Molecular consequence: synonymous variant. On other transcripts: non-coding transcript variant (1).
Genome position (GRCh38, 1-based): chr2:219,158,306, T>C on the plus strand (A>G on the coding strand, the complement: NHEJ1 is on the minus strand). VCF-style: chr2-219158306-T-C. GRCh37 (hg19) VCF-style: chr2-220023028-T-C.
Other names: c.57A>G, p.Ala19= (NM_001377498.1, NM_001377499.1).
Identifiers: ClinVar variation 435984 (VCV000435984.30), dbSNP rs61757394, ClinGen allele CA2117106.